The following is an entry in ClinVar:

ClinVar aggregate classification (germline): Uncertain significance (1 of 4 stars; one submission).

Submission:

GeneDx
Classification: Uncertain significance. Last evaluated: 2026-07-17. Review status: criteria provided, single submitter. Criteria: GeneDx Variant Classification Process June 2021. Collection method: clinical testing. Allele origin: germline.
Comment: In silico analysis supports a deleterious effect on splicing; Has not been previously published as pathogenic or benign to our knowledge; No data available from control populations to assess the frequency of this variant

NM_016312.3(WBP11):c.-46+4_-46+5del

Gene: WBP11 (WW domain binding protein 11; minus strand). Cytogenetic location: 12p12.3.
Variant type: Deletion.
Coding change: c.-46+4_-46+5del on transcript NM_016312.3 (MANE Select); bases 4 to 5 of the intron after 46 bases upstream of the start codon, 2 bases deleted (AG; older notation c.-46+4_-46+5delAG).
Molecular consequence: intron variant.
Genome position (GRCh38, 1-based): chr12:14,803,347-14,803,348, CT deleted on the plus strand (AG on the coding strand, the reverse complement: WBP11 is on the minus strand); deleting any 2 consecutive bases within chr12:14,803,347-14,803,349 gives the same sequence; the c. name uses the placement nearest the transcript's 3' end. VCF-style (leftmost placement, unchanged base first): chr12-14803346-ACT-A. GRCh37 (hg19) VCF-style: chr12-14956280-ACT-A.
Identifiers: ClinVar variation 4527830 (VCV004527830.2).
Genomic context (GRCh38, chr12:14,803,346, plus strand): 5'-GCTGCGCGGGACGTGGAAGGGACGAAAGAGGTGAGGAAGAGTAGTAAATCAATTCAATAC[ACT>A]CACACTTCTGCTGTGCTCCCAGGACTACGAGAAGCGGGTAGGGGGCGACTCCCGGCCTCT-3'